The following is an entry in ClinVar:

ClinVar aggregate classification (germline): Likely benign (1 of 4 stars; one submission).

Conditions:
MLLT10-related disorder. Also called: MLLT10-related condition.

gnomAD v4.1: 9 of 1,223,088 alleles (0.00074%); highest among the groups gnomAD compares: Middle Eastern, 0.17%; no homozygotes.

Submission:

PreventionGenetics, part of Exact Sciences
Classification: Likely benign for MLLT10-related condition. Last evaluated: 2025-11-25. Review status: criteria provided, single submitter. Criteria: ACMG Guidelines, 2015. Collection method: clinical testing. Allele origin: germline.
Comment: This variant is classified as likely benign based on ACMG/AMP sequence variant interpretation guidelines (Richards et al. 2015 PMID: 25741868, with internal and published modifications).

NM_001195626.3(MLLT10):c.1074C>T (p.Gly358=)

Gene: MLLT10 (MLLT10 histone lysine methyltransferase DOT1L cofactor; plus strand). Cytogenetic location: 10p12.31.
Variant type: single nucleotide variant.
Coding change: c.1074C>T on transcript NM_001195626.3 (MANE Select); coding-DNA position 1074, C replaced by T.
Protein change: p.Gly358=; no amino-acid change (glycine 358 retained).
Molecular consequence: synonymous variant. On other transcripts: non-coding transcript variant (1).
Genome position (GRCh38, 1-based): chr10:21,673,372, C>T. VCF-style: chr10-21673372-C-T. GRCh37 (hg19) VCF-style: chr10-21962301-C-T.
Other names: c.339C>T, p.Gly113= (NM_001324297.2); c.1074C>T, p.Gly358= (NM_004641.4).
Identifiers: ClinVar variation 4980581 (VCV004980581.1).